The following is an entry in ClinVar:

ClinVar aggregate classification (germline): Uncertain significance (1 of 4 stars; one submission).

Conditions:
Cardiovascular phenotype. Identifiers: MedGen CN230736.

Allele frequency attached by ClinVar (database versions not stated): gnomAD 0.00001; TOPMed 0.00002; ESP Exome Variant Server 0.00008.
gnomAD v4.1: 49 of 1,609,470 alleles (0.003%); highest among the groups gnomAD compares: East Asian, 0.0045%; no homozygotes.

Submission:

Ambry Genetics
Classification: Uncertain significance for Cardiovascular phenotype. Last evaluated: 2018-08-25. Review status: criteria provided, single submitter. Criteria: Ambry Variant Classification Scheme 2023. Collection method: clinical testing. Allele origin: germline.
Comment: The p.R7591H variant (also known as c.22772G>A), located in coding exon 93 of the TTN gene, results from a G to A substitution at nucleotide position 22772. The arginine at codon 7591 is replaced by histidine, an amino acid with highly similar properties. This amino acid position is highly conserved in available vertebrate species. In addition, this alteration is predicted to be tolerated by in silico analysis. Since supporting evidence is limited at this time, the clinical significance of this alteration remains unclear.

NM_001267550.2(TTN):c.49967G>A (p.Arg16656His)

Genes: TTN-AS1 (TTN antisense RNA 1; plus strand), TTN (titin; minus strand). Cytogenetic location: 2q31.2.
Variant type: single nucleotide variant.
Coding change: c.49967G>A on transcript NM_001267550.2 (MANE Select); coding-DNA position 49967, G replaced by A.
Protein change: p.Arg16656His; replaces arginine 16656 with histidine.
Molecular consequence: missense variant.
Genome position (GRCh38, 1-based): chr2:178,612,558, C>T on the plus strand (G>A on the coding strand, the complement: TTN is on the minus strand). VCF-style: chr2-178612558-C-T. GRCh37 (hg19) VCF-style: chr2-179477285-C-T.
Other names: c.45044G>A, p.Arg15015His (NM_001256850.1); c.22772G>A, p.Arg7591His (NM_003319.4); c.42263G>A, p.Arg14088His (NM_133378.4); c.23147G>A, p.Arg7716His (NM_133432.3); c.23348G>A, p.Arg7783His (NM_133437.4); short protein forms R7591H, R7716H, R14088H, R16656H, R15015H, R7783H.
Identifiers: ClinVar variation 1788866 (VCV001788866.2), dbSNP rs373799076, ClinGen allele CA1994461.
Genomic context (GRCh38, chr2:178,612,558, plus strand): 5'-TCAGGAACTGTCCATTTTAGGTCTGCTGTATTTTTTGTGATATTAATAACTTCAAGCCAG[C>T]GTGGTGGTGATGGAGGATCTGAAAAAGAAGGAAGGAAAACAAATTCATTTTTTTTTTTAT-3'
Protein context (NP_001254479.2, residues 16646-16666): REKLYPPSPP[Arg16656His]WLEVINITKN